The following is an entry in ClinVar:

NM_020937.4(FANCM):c.3261A>T (p.Lys1087Asn)

Gene: FANCM (FA complementation group M; plus strand). Cytogenetic location: 14q21.2.
Variant type: single nucleotide variant.
Coding change: c.3261A>T on transcript NM_020937.4 (MANE Select); coding-DNA position 3261, A replaced by T.
Protein change: p.Lys1087Asn; replaces lysine 1087 with asparagine.
Molecular consequence: missense variant.
Genome position (GRCh38, 1-based): chr14:45,176,015, A>T. VCF-style: chr14-45176015-A-T. GRCh37 (hg19) VCF-style: chr14-45645218-A-T.
Other names: c.3183A>T, p.Lys1061Asn (NM_001308133.2); short protein forms K1061N, K1087N.
Identifiers: ClinVar variation 950624 (VCV000950624.10), dbSNP rs1888664392, ClinGen allele CA389600650.

ClinVar aggregate classification (germline): Uncertain significance. Review status: criteria provided, multiple submitters, no conflicts (2 of 4 stars). 2 submissions from 2 submitters: Uncertain significance (2). Last evaluated 2025-06-29.

Conditions:
Fanconi anemia (FA). Also called: Fanconi's anemia. Identifiers: Orphanet 84, MedGen C0015625, MeSH D005199, MONDO:0019391.

Allele frequency attached by ClinVar (database versions not stated): gnomAD exomes below 0.00001.
gnomAD v4.1: 1 of 1,613,746 alleles (0.000062%); highest among the groups gnomAD compares: Non-Finnish European, 0.000085%; no homozygotes.

Submissions (2):

Labcorp Genetics (formerly Invitae), Labcorp
Classification: Uncertain significance for Fanconi anemia. Last evaluated: 2025-06-29. Review status: criteria provided, single submitter. Criteria: Invitae Variant Classification Sherloc (09022015). Collection method: clinical testing. Allele origin: germline.
Comment: This sequence change replaces lysine, which is basic and polar, with asparagine, which is neutral and polar, at codon 1087 of the FANCM protein (p.Lys1087Asn). This variant is not present in population databases (gnomAD no frequency). This variant has not been reported in the literature in individuals affected with FANCM-related conditions. ClinVar contains an entry for this variant (Variation ID: 950624). An algorithm developed to predict the effect of missense changes on protein structure and function outputs the following: PolyPhen-2: "Benign". The asparagine amino acid residue is found in multiple mammalian species, which suggests that this missense change does not adversely affect protein function. In summary, the available evidence is currently insufficient to determine the role of this variant in disease. Therefore, it has been classified as a Variant of Uncertain Significance.

GeneDx
Classification: Uncertain significance. Last evaluated: 2023-04-27. Review status: criteria provided, single submitter. Criteria: GeneDx Variant Classification Process June 2021. Collection method: clinical testing. Allele origin: germline. Affected: yes.
Comment: Not observed at significant frequency in large population cohorts (gnomAD); In silico analysis supports that this missense variant does not alter protein structure/function; Has not been previously published as pathogenic or benign to our knowledge